The following is an entry in ClinVar:

ClinVar aggregate classification (germline): Likely benign (1 of 4 stars; one submission).

gnomAD v4.1: 7,556 of 1,601,050 alleles (0.47%); highest among the groups gnomAD compares: Non-Finnish European, 0.54%; 23 homozygotes.

Submission:

CeGaT Center for Human Genetics Tuebingen
Classification: Likely benign. Last evaluated: 2026-05-01. Review status: criteria provided, single submitter. Criteria: CeGaT Center For Human Genetics Tuebingen Variant Classification Criteria Version 2. Collection method: clinical testing. Allele origin: germline. Affected: yes. Observed: 4 variant alleles.
Comment: BTBD6: BP4, BS2

NM_001387567.1(BTBD6):c.585-7C>T

Genes: BRF1 (BRF1 general transcription factor IIIB subunit; minus strand), BTBD6 (BTB domain containing 6; plus strand). Cytogenetic location: 14q32.33.
Variant type: single nucleotide variant.
Coding change: c.585-7C>T on transcript NM_001387567.1 (MANE Select); 7 bases into the intron before coding-DNA position 585, C replaced by T.
Molecular consequence: intron variant.
Genome position (GRCh38, 1-based): chr14:105,249,633, C>T. VCF-style: chr14-105249633-C-T. GRCh37 (hg19) VCF-style: chr14-105715970-C-T.
Other names: c.544+2874G>A (NM_001440449.1, NM_001519.4, NM_001440450.1); c.426-7C>T (NM_033271.3); c.199+2874G>A (NM_001242786.2, NM_001440451.1, NM_001242787.2); c.463+2874G>A (NM_001242788.2).
Identifiers: ClinVar variation 4083638 (VCV004083638.8).